The following is an entry in ClinVar:

NM_177438.3(DICER1):c.5113G>A (p.Glu1705Lys)

Gene: DICER1 (dicer 1, ribonuclease III; minus strand). Cytogenetic location: 14q32.13.
Variant type: single nucleotide variant.
Coding change: c.5113G>A on transcript NM_177438.3 (MANE Select); coding-DNA position 5113, G replaced by A.
Protein change: p.Glu1705Lys; replaces glutamic acid 1705 with lysine.
Molecular consequence: missense variant.
Genome position (GRCh38, 1-based): chr14:95,094,139, C>T on the plus strand (G>A on the coding strand, the complement: DICER1 is on the minus strand). VCF-style: chr14-95094139-C-T. GRCh37 (hg19) VCF-style: chr14-95560476-C-T.
Other names: NM_177438.3(DICER1):c.5113G>A; p.Glu1705Lys; c.5113G>A, p.Glu1705Lys (NM_001195573.1, NM_001271282.3, NM_001291628.2 and 1 more transcripts); short protein forms E1705K.
Identifiers: ClinVar variation 932987 (VCV000932987.7), dbSNP rs1890101390, ClinGen allele CA390865421.

ClinVar aggregate classification (germline): Pathogenic. Review status: reviewed by expert panel (3 of 4 stars). 3 submissions from 3 submitters: Pathogenic (1). 2 of the submissions do not count toward it. Last evaluated 2024-01-09.
ClinVar aggregate classification (somatic clinical impact): Tier I - Strong. Review status: criteria provided, single submitter (1 of 4 stars). 6 submissions from 1 submitter. Last evaluated 2025-10-28.

Conditions:
DICER1-related tumor predisposition. Also called: DICER1-related pleuropulmonary blastoma cancer predisposition syndrome; DICER1 syndrome. Identifiers: Orphanet 284343, MedGen C3839822, MONDO:0100216.
Hereditary cancer-predisposing syndrome. Also called: Tumor predisposition; Hereditary neoplastic syndrome; Neoplastic Syndromes, Hereditary; Hereditary Cancer Syndrome. Identifiers: Orphanet 140162, MedGen C0027672, MeSH D009386, MONDO:0015356.
Juvenile polyps. Identifiers: MedGen C0221273, MONDO:0006258.
Sertoli-Leydig cell tumor. Identifiers: MedGen C0206723, MONDO:0002479.
Primary intracranial sarcoma, DICER1-mutant. Identifiers: MedGen C5670660, MONDO:0858967.
Follicular thyroid carcinoma. Also called: Thyroid cancer, follicular; Thyroid gland follicular carcinoma. Identifiers: MedGen C0206682, MONDO:0005034, HP:0006731.
Embryonal rhabdomyosarcoma (ERMS). Also called: Spindle cell rhabdomyosarcomas (type of ERMS); Botryoid rhabdomyosarcoma (type of ERMS). Identifiers: Orphanet 99757, MedGen C0206656, MONDO:0009993, HP:0006743.
Pleuropulmonary blastoma (PPB). Identifiers: Orphanet 64742, MedGen C1266144, MONDO:0011014, OMIM 601200, HP:0100528.

Submissions 1 to 7 of 9:

ClinGen DICER1 and miRNA-Processing Gene Variant Curation Expert Panel, ClinGen
Classification: Pathogenic for DICER1-related tumor predisposition. Last evaluated: 2024-01-09. Review status: reviewed by expert panel. Criteria: ClinGen DICER1 ACMG Specifications DICER1 V1.2.0. Collection method: curation. Allele origin: germline. Inheritance: Autosomal dominant inheritance.
Comment: The NM_177438.2:c.5113G>A variant in DICER1 is a missense variant predicted to cause substitution of glutamic acid by lysine at amino acid 1705 (p.Glu1705Lys). This variant has been identified as a de novo occurrence with constitutional mosaicism in one individual with pleuropulmonary blastoma type I and cystic nephroma (PS2; PS4_supporting; 26925222). This variant is absent from gnomAD v2.1.1 and v3.1.2 (non-cancer) (PM2_Supporting). In vitro cleavage assays performed in different cell lines have demonstrated that this variant fails to produce 5p microRNAs from a pre-miRNA, indicating that this variant impacts protein function (PS3_Supporting; 22187960, 23132766, 28862265). In silico tools predict damaging impact of the variant on protein function (REVEL: 0.925) (PP3). This variant resides in the p.E1705 metal ion-binding residue located in the RNase IIIb domain of DICER1, that is defined as a mutational hotspot and critical functional domain by the ClinGen DICER1 VCEP (PM1; PMID: 31342592). In summary, this variant meets the criteria to be classified as Pathogenic for DICER1-related tumor predisposition based on the ACMG/AMP criteria applied, as specified by the ClinGen DICER1 VCEP: PS2, PM2_Supporting, PS4_supporting, PS3_Supporting, PP3, PM1. (Bayesian Points: 10; VCEP specifications version 1.2.0; 01/09/2024).

Institute for Genomic Medicine (IGM) Clinical Laboratory, Nationwide Children's Hospital
Classification: Tier I - Strong for Juvenile polyps. Assertion type: diagnostic. Clinical significance: supports diagnosis. Last evaluated: 2025-10-28. Review status: criteria provided, single submitter. Criteria: AMP/ASCO/CAP Guidelines, 2017. Collection method: clinical testing. Allele origin: somatic. Affected: yes.
Comment: Variant has Tier I (strong) clinical significance as a diagnostic inclusion criterion in juvenile polyp, based on the following evidence: 1) Documented in one or more cancer databases (e.g., St. Jude Pecan, COSMIC, CIViC, OncoKB). 2) Appears in one or more well-established professional guidelines (e.g., World Health Organization [WHO]; National Comprehensive Cancer Network [NCCN]) as providing diagnostic, prognostic, or therapeutic information. 3) Information in the literature supports potential biologic effect of variant (PMID: 22187960). 4) Diagnostic for a specific tumor type/classification according to professional guidelines (Evidence Level A; PMIDs: 21882293, 19061226, 26475046).

Institute for Genomic Medicine (IGM) Clinical Laboratory, Nationwide Children's Hospital
Classification: Tier I - Strong for Pleuropulmonary blastoma. Assertion type: diagnostic. Clinical significance: supports diagnosis. Last evaluated: 2025-10-28. Review status: criteria provided, single submitter. Criteria: AMP/ASCO/CAP Guidelines, 2017. Collection method: clinical testing. Allele origin: somatic. Affected: yes.
Comment: Variant has Tier I (strong) clinical significance as a diagnostic inclusion criterion in pleuropulmonary blastoma, based on the following evidence: 1) Documented in one or more cancer databases (e.g., St. Jude Pecan, COSMIC, CIViC, OncoKB). 2) Appears in one or more well-established professional guidelines (e.g., World Health Organization [WHO]; National Comprehensive Cancer Network [NCCN]) as providing diagnostic, prognostic, or therapeutic information. 3) Information in the literature supports potential biologic effect of variant (PMID: 22187960). 4) Diagnostic for a specific tumor type/classification according to professional guidelines (Evidence Level A; PMIDs: 24909177, 24675358, 26925222, 31603374, 36966138).

Institute for Genomic Medicine (IGM) Clinical Laboratory, Nationwide Children's Hospital
Classification: Tier I - Strong for Sertoli-Leydig cell tumor. Assertion type: diagnostic. Clinical significance: supports diagnosis. Last evaluated: 2025-05-15. Review status: criteria provided, single submitter. Criteria: AMP/ASCO/CAP Guidelines, 2017. Collection method: clinical testing. Allele origin: somatic. Affected: yes.
Comment: Variant has Tier I (strong) clinical significance as a diagnostic inclusion criterion in Sertoli-Leydig cell tumor, based on the following evidence: 1) Documented in one or more cancer databases (e.g., St. Jude Pecan, COSMIC, CIViC, OncoKB). 2) Appears in one or more well-established professional guidelines (e.g., World Health Organization [WHO]; National Comprehensive Cancer Network [NCCN]) as providing diagnostic, prognostic, or therapeutic information. 3) Information in the literature supports potential biologic effect of variant (PMID: 22187960). 4) Diagnostic for a specific tumor type/classification based on well-powered studies with expert-level consensus (Evidence Level B; PMIDs: 22187960, 24136150, 26033501, 26428316, 28654427).

Institute for Genomic Medicine (IGM) Clinical Laboratory, Nationwide Children's Hospital
Classification: Tier I - Strong for Follicular thyroid carcinoma. Assertion type: diagnostic. Clinical significance: supports diagnosis. Last evaluated: 2025-03-13. Review status: criteria provided, single submitter. Criteria: AMP/ASCO/CAP Guidelines, 2017. Collection method: clinical testing. Allele origin: somatic. Affected: yes.
Comment: Variant has Tier I (strong) clinical significance as a diagnostic inclusion criterion in thyroid gland follicular carcinoma, based on the following evidence: 1) Documented in one or more cancer databases (e.g., St. Jude Pecan, COSMIC, CIViC, OncoKB). 2) Appears in one or more well-established professional guidelines (e.g., World Health Organization [WHO]; National Comprehensive Cancer Network [NCCN]) as providing diagnostic, prognostic, or therapeutic information. 3) Diagnostic for a specific tumor type/classification based on well-powered studies with expert-level consensus (Evidence Level B; PMIDs: 34313965, 34580763, 36251117, 37160531).

Ambry Genetics
Classification: Pathogenic for Hereditary cancer-predisposing syndrome. Last evaluated: 2024-03-06. Review status: criteria provided, single submitter. Criteria: Ambry Variant Classification Scheme 2023. Collection method: clinical testing. Allele origin: germline. Not counted in ClinVar's aggregate classification.
Comment: The p.E1705K pathogenic mutation (also known as c.5113G>A), located in coding exon 23 of the DICER1 gene, results from a G to A substitution at nucleotide position 5113. The glutamic acid at codon 1705 is replaced by lysine, an amino acid with similar properties. This variant is considered to be rare based on population cohorts in the Genome Aggregation Database (gnomAD). This variant has been reported as a de novo occurrence with constitutional mosaicism in an individual with DICER-1-related tumor predisposition syndrome (Brenneman M et al. F1000Res, 2015 Jul;4:214). This variant resides in the metal ion-binding residue located in the RNase IIIb domain of the DICER1, that is defined as a mutational hotspot and critical functional domain (de Kock L et al. Hum Mutat, 2019 Nov;40:1939-1953). In multiple assays testing DICER1 function, this variant showed functionally abnormal results (Heravi-Moussavi A et al. N Engl J Med, 2012 Jan;366:234-42; Wu MK et al. Mod Pathol, 2018 Jan;31:169-178). This amino acid position is highly conserved in available vertebrate species. In addition, this alteration is predicted to be deleterious by in silico analysis. This missense alteration is located in a region that has a low rate of benign missense variation (Lek M et al. Nature. 2016 Aug 18;536(7616):285-91; DECIPHER: Database of Chromosomal Imbalance and Phenotype in Humans using Ensembl Resources. Firth H.V. et al. 2009. Am.J.Hum.Genet. 84, 524-533 (DOI)). Based on the supporting evidence, this alteration is interpreted as a disease-causing mutation.

Institute for Genomic Medicine (IGM) Clinical Laboratory, Nationwide Children's Hospital
Classification: Tier I - Strong for Embryonal rhabdomyosarcoma. Assertion type: diagnostic. Clinical significance: supports diagnosis. Last evaluated: 2023-12-11. Review status: criteria provided, single submitter. Criteria: AMP/ASCO/CAP Guidelines, 2017. Collection method: clinical testing. Allele origin: somatic. Affected: yes.
Comment: Variant has Tier I (strong) clinical significance as a diagnostic inclusion criterion in embryonal rhabdomyosarcoma, based on the following evidence: 1) Documented in one or more cancer databases (e.g., St. Jude Pecan, COSMIC, CIViC, OncoKB). 2) Appears in one or more well-established professional guidelines (e.g., World Health Organization [WHO]; National Comprehensive Cancer Network [NCCN]) as providing diagnostic, prognostic, or therapeutic information. 3) Information in the literature supports potential biologic effect of variant. 4) Diagnostic for a specific tumor type/classification based on well-powered studies with expert-level consensus (Evidence Level B).